The following is an entry in ClinVar:

ClinVar aggregate classification (germline): Uncertain significance (1 of 4 stars; one submission).

Conditions:
T-cell immunodeficiency, congenital alopecia, and nail dystrophy. Also called: Congenital alopecia and nail dystrophy associated with severe functional T-cell immunodeficiency; Pignata Guarino syndrome. Identifiers: Orphanet 169095, MedGen C1866426, MONDO:0011132, OMIM 601705.

Submission:

Labcorp Genetics (formerly Invitae), Labcorp
Classification: Uncertain significance for T-cell immunodeficiency, congenital alopecia, and nail dystrophy. Last evaluated: 2022-09-27. Review status: criteria provided, single submitter. Criteria: Invitae Variant Classification Sherloc (09022015). Collection method: clinical testing. Allele origin: germline.
Comment: Advanced modeling of protein sequence and biophysical properties (such as structural, functional, and spatial information, amino acid conservation, physicochemical variation, residue mobility, and thermodynamic stability) performed at Invitae indicates that this missense variant is not expected to disrupt FOXN1 protein function. In summary, the available evidence is currently insufficient to determine the role of this variant in disease. Therefore, it has been classified as a Variant of Uncertain Significance. This variant has not been reported in the literature in individuals affected with FOXN1-related conditions. This variant is not present in population databases (gnomAD no frequency). This sequence change replaces alanine, which is neutral and non-polar, with valine, which is neutral and non-polar, at codon 311 of the FOXN1 protein (p.Ala311Val).

NM_001369369.1(FOXN1):c.932C>T (p.Ala311Val)

Gene: FOXN1 (forkhead box N1; plus strand). Cytogenetic location: 17q11.2.
Variant type: single nucleotide variant.
Coding change: c.932C>T on transcript NM_001369369.1 (MANE Select); coding-DNA position 932, C replaced by T.
Protein change: p.Ala311Val; replaces alanine 311 with valine.
Molecular consequence: missense variant.
Genome position (GRCh38, 1-based): chr17:28,534,335, C>T. VCF-style: chr17-28534335-C-T. GRCh37 (hg19) VCF-style: chr17-26861353-C-T.
Other names: c.932C>T, p.Ala311Val (NM_003593.3); short protein forms A311V.
Identifiers: ClinVar variation 1720451 (VCV001720451.6), dbSNP rs2508422161, ClinGen allele CA398324426.